The following is an entry in ClinVar:

ClinVar aggregate classification (germline): Uncertain significance (1 of 4 stars; one submission).

gnomAD v4.1: 21 of 1,604,228 alleles (0.0013%); highest among the groups gnomAD compares: African/African-American, 0.0094%; no homozygotes.

Submission:

Labcorp Genetics (formerly Invitae), Labcorp
Classification: Uncertain significance. Last evaluated: 2024-10-30. Review status: criteria provided, single submitter. Criteria: Invitae Variant Classification Sherloc (09022015). Collection method: clinical testing. Allele origin: germline.
Comment: This sequence change replaces glycine, which is neutral and non-polar, with serine, which is neutral and polar, at codon 226 of the SLC25A24 protein (p.Gly226Ser). The frequency data for this variant in the population databases is considered unreliable, as metrics indicate poor data quality at this position in the gnomAD database. This variant has not been reported in the literature in individuals affected with SLC25A24-related conditions. Invitae Evidence Modeling of protein sequence and biophysical properties (such as structural, functional, and spatial information, amino acid conservation, physicochemical variation, residue mobility, and thermodynamic stability) indicates that this missense variant is not expected to disrupt SLC25A24 protein function with a negative predictive value of 80%. In summary, the available evidence is currently insufficient to determine the role of this variant in disease. Therefore, it has been classified as a Variant of Uncertain Significance.

NM_013386.5(SLC25A24):c.676G>A (p.Gly226Ser)

Gene: SLC25A24 (solute carrier family 25 member 24; minus strand). Cytogenetic location: 1p13.3.
Variant type: single nucleotide variant.
Coding change: c.676G>A on transcript NM_013386.5 (MANE Select); coding-DNA position 676, G replaced by A.
Protein change: p.Gly226Ser; replaces glycine 226 with serine.
Molecular consequence: missense variant.
Genome position (GRCh38, 1-based): chr1:108,155,129, C>T on the plus strand (G>A on the coding strand, the complement: SLC25A24 is on the minus strand). VCF-style: chr1-108155129-C-T. GRCh37 (hg19) VCF-style: chr1-108697751-C-T.
Other names: c.619G>A, p.Gly207Ser (NM_213651.3); short protein forms G207S, G226S.
Identifiers: ClinVar variation 3620236 (VCV003620236.2).